The following is an entry in ClinVar:

NM_001853.4(COL9A3):c.838G>C (p.Gly280Arg)

Gene: COL9A3 (collagen type IX alpha 3 chain; plus strand). Cytogenetic location: 20q13.33.
Variant type: single nucleotide variant.
Coding change: c.838G>C on transcript NM_001853.4 (MANE Select); coding-DNA position 838, G replaced by C.
Protein change: p.Gly280Arg; replaces glycine 280 with arginine.
Molecular consequence: missense variant.
Genome position (GRCh38, 1-based): chr20:62,827,286, G>C. VCF-style: chr20-62827286-G-C. GRCh37 (hg19) VCF-style: chr20-61458638-G-C.
Other names: short protein forms G280R.
Identifiers: ClinVar variation 3367627 (VCV003367627.1).

ClinVar aggregate classification (germline): Uncertain significance (1 of 4 stars; one submission).

Submission:

GeneDx
Classification: Uncertain significance. Last evaluated: 2024-01-04. Review status: criteria provided, single submitter. Criteria: GeneDx Variant Classification Process June 2021. Collection method: clinical testing. Allele origin: germline. Affected: yes.
Comment: Not observed at significant frequency in large population cohorts (gnomAD); In silico analysis supports that this missense variant has a deleterious effect on protein structure/function; Has not been previously published as pathogenic or benign to our knowledge